The following is an entry in ClinVar:

NM_005215.4(DCC):c.3620-2A>G

Gene: DCC (DCC netrin 1 receptor; plus strand). Cytogenetic location: 18q21.2.
Variant type: single nucleotide variant.
Coding change: c.3620-2A>G on transcript NM_005215.4 (MANE Select); the canonical splice acceptor site of the intron before coding-DNA position 3620, A replaced by G.
Molecular consequence: splice acceptor variant.
Genome position (GRCh38, 1-based): chr18:53,467,892, A>G. VCF-style: chr18-53467892-A-G. GRCh37 (hg19) VCF-style: chr18-50994262-A-G.
Identifiers: ClinVar variation 1306793 (VCV001306793.4), dbSNP rs1292231805, ClinGen allele CA402517309.

ClinVar aggregate classification (germline): Uncertain significance. Review status: criteria provided, multiple submitters, no conflicts (2 of 4 stars). 3 submissions from 3 submitters: Uncertain significance (3). Last evaluated 2026-04-14.

Conditions:
Mirror movements 1 and/or agenesis of the corpus callosum. Identifiers: MedGen CN322311, MONDO:0100515.

Allele frequency attached by ClinVar (database versions not stated): TOPMed 0.00001.

Submissions (3):

Greenwood Genetic Center Diagnostic Laboratories, Greenwood Genetic Center
Classification: Uncertain significance. Last evaluated: 2026-04-14. Review status: criteria provided, single submitter. Criteria: ACMG Guidelines, 2015. Collection method: clinical testing. Allele origin: germline.
Comment: PM2

Broad Center for Mendelian Genomics, Broad Institute of MIT and Harvard
Classification: Uncertain significance for Mirror movements 1 and/or agenesis of the corpus callosum. Last evaluated: 2023-05-02. Review status: criteria provided, single submitter. Criteria: ACMG Guidelines, 2015. Collection method: curation. Allele origin: germline. Inheritance: Autosomal dominant inheritance.
Comment: The c.3620-2A>G variant in DCC has not been previously reported in individuals with mirror movements 1 and/or agenesis of the corpus callosum but has been identified in 0.0016% (2/125568) of chromosomes by TopMed Bravo. Although this variant has been seen in the general population in a heterozygous state, its frequency is not high enough to rule out a pathogenic role. Pathogenic variants may be present at a low frequency in the general population, for diseases with clinical variability, or reduced penetrance. This variant has also been reported in ClinVar (Variation ID: 1306793) and has been interpreted as a variant of uncertain significance by GeneDx. This variant is located in the 3' splice region. Computational tools predict a splicing impact, though this information is not predictive enough to determine pathogenicity. There is an in-frame cryptic splice site 117 bases from the intron-exon boundary, providing evidence that this variant may delete 39 amino acids instead of causing loss of function. However, this information is not predictive enough to determine pathogenicity. Heterozygous loss of function of the DCC gene is an established disease mechanism in mirror movements 1 and/or agenesis of the corpus callosum. In summary, the clinical significance of the c.3620-2A>G variant is uncertain. ACMG/AMP Criteria applied: PVS1_Moderate (Richards 2015).

GeneDx
Classification: Uncertain significance. Last evaluated: 2019-07-17. Review status: criteria provided, single submitter. Criteria: GeneDx Variant Classification Process June 2021. Collection method: clinical testing. Allele origin: germline. Affected: yes.
Comment: Not observed in large population cohorts (Lek et al., 2016); Canonical splice site variant predicted to result in an in-frame deletion of exon 25; Has not been previously published as pathogenic or benign to our knowledge